The following is an entry in ClinVar:

NM_001283009.2(RTEL1):c.2795C>T (p.Ala932Val)

Genes: RTEL1 (regulator of telomere elongation helicase 1; plus strand), RTEL1-TNFRSF6B (RTEL1-TNFRSF6B readthrough (NMD candidate); plus strand). Cytogenetic location: 20q13.33.
Variant type: single nucleotide variant.
Coding change: c.2795C>T on transcript NM_001283009.2 (MANE Select); coding-DNA position 2795, C replaced by T.
Protein change: p.Ala932Val; replaces alanine 932 with valine.
Molecular consequence: missense variant. On other transcripts: non-coding transcript variant (1).
Genome position (GRCh38, 1-based): chr20:63,692,947, C>T. VCF-style: chr20-63692947-C-T. GRCh37 (hg19) VCF-style: chr20-62324300-C-T.
Other names: c.2126C>T, p.Ala709Val (NM_001283010.1); c.2795C>T, p.Ala932Val (NM_016434.4); c.2867C>T, p.Ala956Val (NM_032957.5); short protein forms A709V, A932V, A956V.
Identifiers: ClinVar variation 1692623 (VCV001692623.1), dbSNP rs1239433355, ClinGen allele CA409683055.

ClinVar aggregate classification (germline): Uncertain significance (1 of 4 stars; one submission).

Conditions:
Dyskeratosis congenita. Identifiers: Orphanet 1775, MedGen C0265965, MONDO:0015780.

Allele frequency attached by ClinVar (database versions not stated): TOPMed below 0.00001; gnomAD 0.00001; gnomAD exomes 0.00001.
gnomAD v4.1: 15 of 1,612,550 alleles (0.00093%); highest among the groups gnomAD compares: African/African-American, 0.0027%; no homozygotes.

Submission:

Sema4
Classification: Uncertain significance for Dyskeratosis congenita. Last evaluated: 2022-01-23. Review status: criteria provided, single submitter. Criteria: Sema4 Curation Guidelines. Collection method: curation. Allele origin: germline.
Comment: The RTEL1 c.2795C>T (p.A932V) variant has not been reported in the literature to our knowledge. It was observed in 3/2811500 chromosomes across the large and broad cohorts of the Genome Aggregation Database (PMID: 32461654). The variant has not been reported in ClinVar. Functional studies have not been performed, and in silico predictions of the variant's effect on protein function are inconclusive. The evidence is insufficient to meet ACMG/AMP criteria for classifying the variant as benign or pathogenic. Thus, the clinical significance of this variant is currently uncertain.